The following is an entry in ClinVar:

ClinVar aggregate classification (germline): Likely pathogenic. Review status: reviewed by expert panel (3 of 4 stars). 6 submissions from 6 submitters: Likely pathogenic (1). 5 of the submissions do not count toward it. Last evaluated 2023-10-26.

Conditions:
Creatine transporter deficiency (CCDS1). Also called: Creatine Transporter (CRTR) Deficiency; CEREBRAL CREATINE DEFICIENCY SYNDROME 1; Mental retardation , X-linked with seizures, short stature and midface hypoplasia; Mental retardation , X-linked, with creatine transport deficiency; X-linked creatine transporter deficiency; X-linked creatine deficiency syndrome. Identifiers: Orphanet 52503, MedGen C1845862, MONDO:0010305, OMIM 300352.

Submissions (6):

ClinGen Cerebral Creatine Deficiency Syndromes Variant Curation Expert Panel, ClinGen
Classification: Likely pathogenic for Creatine transporter deficiency. Last evaluated: 2023-10-26. Review status: reviewed by expert panel. Criteria: ClinGen_CCDS_ACMG_Specifications_SLC6A8_v1.1. Collection method: curation. Allele origin: germline. Inheritance: X-linked inheritance.
Comment: The NM_005629.4:c.1631C>T in SLC6A8 is a missense variant predicted to cause substitution of Proline with Leucine (p.Pro544Leu) at amino acid 544 in the 12th of 13 exons. This variant is absent from gnomAD v2.1.1, (PM2_Supporting). The computational predictor REVEL gives a score of 0.784 which is above the threshold of 0.75, evidence that correlates with impact to SLC6A8 function (PP3). Urine analysis showed an increased creatine/creatinine ratio (1.83; n.v. 0.03–0.92) with normal guanidinoacetate/creatinine ratio (0.024; n.v. 0.023–0.214) (1 point). Brain MRI with angiography and perfusion study was normal, while 1H-MRS revealed a consistent decrease in the creatine peak (Fig. 2) (3 points). Full sequencing of the SLC6A8 gene was reported. (PMID:17553121) (PP4_Strong). This variant was reported in a proband with an increased urine creatine/creatinine ratio of 2.0 (normal range 0.017–0.72), the proband’s brother also was affected and had elevated urine ratios and was hemizygous for the variant, while their mother was heterozygous for the same variant (PMID: 15690373). (PS4_Supporting). Molecular genetic testing identified the heterozygous variant SLC6A8 (c.1631C>T, p.(Pro544Leu)). Segregation analysis including both parents revealed that the variant was de novo in the patient (PMID: 37708665) (PM6). This variant was assessed for co-segregation evidence (PP1) and functional evidence (PS3), but in both cases did not meet the specifications (PP1_Not Met, PS3_Not Met). In summary, this variant meets the criteria to be classified as a Likely Pathogenic variant for Creatine Transporter Deficiency based on the ACMG/AMP criteria applied, as specified by the ClinGen Cerebral Creatine Deficiency Syndromes Variant Curation Expert Panel (Specifications Version 1.1.0). PM2_Supporting, PP3, PP4_Strong, PS4_Supporting, PM6. (Classification approved by the ClinGen CCDS VCEP on Oct. 26, 2023)

CeGaT Center for Human Genetics Tuebingen
Classification: Likely pathogenic. Last evaluated: 2026-05-01. Review status: criteria provided, single submitter. Criteria: CeGaT Center For Human Genetics Tuebingen Variant Classification Criteria Version 2. Collection method: clinical testing. Allele origin: germline. Affected: yes. Observed: 1 variant allele. Not counted in ClinVar's aggregate classification.
Comment: SLC6A8: PM2, PS4:Moderate, PM6:Supporting, PS3:Supporting

Labcorp Genetics (formerly Invitae), Labcorp
Classification: Likely pathogenic for Creatine transporter deficiency. Last evaluated: 2025-03-17. Review status: criteria provided, single submitter. Criteria: Invitae Variant Classification Sherloc (09022015). Collection method: clinical testing. Allele origin: germline. Not counted in ClinVar's aggregate classification.
Comment: This sequence change replaces proline, which is neutral and non-polar, with leucine, which is neutral and non-polar, at codon 544 of the SLC6A8 protein (p.Pro544Leu). This variant is not present in population databases (gnomAD no frequency). This missense change has been observed in individual(s) with X-linked creatine transporter defect (PMID: 15690373, 17553121, 21556832, 23644449). ClinVar contains an entry for this variant (Variation ID: 65692). Invitae Evidence Modeling of protein sequence and biophysical properties (such as structural, functional, and spatial information, amino acid conservation, physicochemical variation, residue mobility, and thermodynamic stability) indicates that this missense variant is not expected to disrupt SLC6A8 protein function with a negative predictive value of 95%. Experimental studies have shown that this missense change affects SLC6A8 function (PMID: 22281021). In summary, the currently available evidence indicates that the variant is pathogenic, but additional data are needed to prove that conclusively. Therefore, this variant has been classified as Likely Pathogenic.

GeneDx
Classification: Pathogenic. Last evaluated: 2024-04-18. Review status: criteria provided, single submitter. Criteria: GeneDx Variant Classification Process June 2021. Collection method: clinical testing. Allele origin: germline. Affected: yes. Not counted in ClinVar's aggregate classification.
Comment: Published functional studies found this variant is associated with significantly reduced creatine uptake and aberrant protein expression (PMID: 22281021, 30885608); Not observed at significant frequency in large population cohorts (gnomAD); In silico analysis supports that this missense variant has a deleterious effect on protein structure/function; This variant is associated with the following publications: (PMID: 25861866, 20528887, 23644449, 17553121, 24962355, 23408511, 21556832, 24789340, 24953403, 33192443, 23660394, 37708665, 22281021, 17825809, 18925426, 15690373, 30885608)

Women's Health and Genetics/Laboratory Corporation of America, LabCorp
Classification: Pathogenic for Creatine transporter deficiency. Last evaluated: 2023-09-18. Review status: criteria provided, single submitter. Criteria: LabCorp Variant Classification Summary - May 2015. Collection method: clinical testing. Allele origin: germline. Not counted in ClinVar's aggregate classification.
Comment: Variant summary: SLC6A8 c.1631C>T (p.Pro544Leu) results in a non-conservative amino acid change in the encoded protein sequence. Five of five in-silico tools predict a damaging effect of the variant on protein function. The variant was absent in 182621 control chromosomes (gnomAD). c.1631C>T has been reported in the literature in multiple hemizygotes affected with Creatine Deficiency, X-Linked (e.g., Mancini_2005, Mancardi_2007, Fons_2008, Comeaux_2013). These data indicate that the variant is very likely to be associated with disease. At least two publications report experimental evidence evaluating an impact on protein function, finding that the variant results in reduced creatine uptake in hemizygous patient fibroblasts (approximately 12% uptake relative to controls at physiological substrate concentrations; Mancini_2005) as well as in vitro (approx. 39% of wild-type levels; Betsalel_2012). The following publications have been ascertained in the context of this evaluation (PMID: 22281021, 23660394, 18925426, 17553121, 15690373). One submitter has reported clinical-significance assessments for this variant to ClinVar after 2014 and has classified the variant as likely pathogenic. Based on the evidence outlined above, the variant was classified as pathogenic.

Clinical Genetics Service, Universitary Hospital 12 de Octubre
Classification: Pathogenic for Creatine transporter deficiency. Review status: criteria provided, single submitter. Criteria: ACMG Guidelines, 2015. Collection method: clinical testing. Allele origin: maternal. Affected: yes. Not counted in ClinVar's aggregate classification.

Literature cited by the submitters: PubMed 15690373 (cited by Labcorp Genetics (formerly Invitae), Labcorp and Women's Health and Genetics/Laboratory Corporation of America, LabCorp); PubMed 17553121 (cited by Labcorp Genetics (formerly Invitae), Labcorp and Women's Health and Genetics/Laboratory Corporation of America, LabCorp); PubMed 21556832 (cited by Labcorp Genetics (formerly Invitae), Labcorp); PubMed 23644449 (cited by Labcorp Genetics (formerly Invitae), Labcorp); PubMed 22281021 (cited by Labcorp Genetics (formerly Invitae), Labcorp and Women's Health and Genetics/Laboratory Corporation of America, LabCorp); PubMed 23660394 (cited by Women's Health and Genetics/Laboratory Corporation of America, LabCorp); PubMed 18925426 (cited by Women's Health and Genetics/Laboratory Corporation of America, LabCorp).

NM_005629.4(SLC6A8):c.1631C>T (p.Pro544Leu)

Gene: SLC6A8 (solute carrier family 6 member 8; plus strand). Cytogenetic location: Xq28.
Variant type: single nucleotide variant.
Coding change: c.1631C>T on transcript NM_005629.4 (MANE Select); coding-DNA position 1631, C replaced by T.
Protein change: p.Pro544Leu; replaces proline 544 with leucine.
Molecular consequence: missense variant.
Genome position (GRCh38, 1-based): chrX:153,694,753, C>T. VCF-style: chrX-153694753-C-T. GRCh37 (hg19) VCF-style: chrX-152960208-C-T.
Other names: NM_005629.4(SLC6A8):c.1631C>T; p.Pro544Leu; c.1601C>T, p.Pro534Leu (NM_001142805.2); c.1286C>T, p.Pro429Leu (NM_001142806.1); short protein forms P544L, P429L, P534L.
Identifiers: ClinVar variation 65692 (VCV000065692.17), dbSNP rs397515558, ClinGen allele CA345034.